The following is an entry in ClinVar:

ClinVar aggregate classification (germline): Pathogenic (1 of 4 stars; one submission).

Submission:

Labcorp Genetics (formerly Invitae), Labcorp
Classification: Pathogenic. Last evaluated: 2024-06-25. Review status: criteria provided, single submitter. Criteria: Invitae Variant Classification Sherloc (09022015). Collection method: clinical testing. Allele origin: germline.
Comment: This sequence change creates a premature translational stop signal (p.Trp504*) in the FZD4 gene. While this is not anticipated to result in nonsense mediated decay, it is expected to disrupt the last 34 amino acid(s) of the FZD4 protein. This variant is not present in population databases (gnomAD no frequency). This variant has not been reported in the literature in individuals affected with FZD4-related conditions. This variant disrupts a region of the FZD4 protein in which other variant(s) (p.Gln505*) have been determined to be pathogenic (PMID: 15223780, 23077402). This suggests that this is a clinically significant region of the protein, and that variants that disrupt it are likely to be disease-causing. For these reasons, this variant has been classified as Pathogenic.

Literature cited by the submitters: PubMed 15223780; PubMed 23077402.

NM_012193.4(FZD4):c.1511G>A (p.Trp504Ter)

Genes: FZD4 (frizzled class receptor 4; minus strand), PRSS23 (serine protease 23; plus strand). Cytogenetic location: 11q14.2.
Variant type: single nucleotide variant.
Coding change: c.1511G>A on transcript NM_012193.4 (MANE Select); coding-DNA position 1511, G replaced by A.
Protein change: p.Trp504Ter; replaces tryptophan 504 with a stop codon.
Molecular consequence: nonsense. On other transcripts: non-coding transcript variant (2).
Genome position (GRCh38, 1-based): chr11:86,951,245, C>T on the plus strand (G>A on the coding strand, the complement: FZD4 is on the minus strand). VCF-style: chr11-86951245-C-T. GRCh37 (hg19) VCF-style: chr11-86662287-C-T.
Other names: short protein forms W504*.
Identifiers: ClinVar variation 2730480 (VCV002730480.3), dbSNP rs2495864907, ClinGen allele CA382011017.